The following is an entry in ClinVar:

ClinVar aggregate classification (germline): Pathogenic (1 of 4 stars; one submission).

Conditions:
Landau-Kleffner syndrome (FESD). Also called: EPILEPSY, FOCAL, WITH SPEECH DISORDER AND WITH OR WITHOUT MENTAL RETARDATION; APHASIA, ACQUIRED, WITH EPILEPSY. Identifiers: Orphanet 1945, Orphanet 725, Orphanet 98818, MedGen C0282512, MONDO:0009509, OMIM 245570.

Submission:

Institute of Human Genetics, University of Leipzig Medical Center
Classification: Pathogenic for Landau-Kleffner syndrome. Last evaluated: 2026-03-16. Review status: criteria provided, single submitter. Criteria: ACMG Guidelines, 2015. Collection method: clinical testing. Allele origin: unknown. Inheritance: Autosomal dominant inheritance. Affected: yes.
Comment: Criteria applied: PVS1,PM2

NM_001134407.3(GRIN2A):c.1328+1G>C

Gene: GRIN2A (glutamate ionotropic receptor NMDA type subunit 2A; minus strand). Cytogenetic location: 16p13.2.
Variant type: single nucleotide variant.
Coding change: c.1328+1G>C on transcript NM_001134407.3 (MANE Select); the canonical splice donor site of the intron after coding-DNA position 1328, G replaced by C.
Molecular consequence: splice donor variant.
Genome position (GRCh38, 1-based): chr16:9,849,755, C>G on the plus strand (G>C on the coding strand, the complement: GRIN2A is on the minus strand). VCF-style: chr16-9849755-C-G. GRCh37 (hg19) VCF-style: chr16-9943612-C-G.
Other names: c.1328+1G>C (NM_001134408.2, NM_000833.5).
Identifiers: ClinVar variation 4845372 (VCV004845372.1).